The following is an entry in ClinVar:

NM_001378183.1(PIEZO2):c.7133T>C (p.Ile2378Thr)

Gene: PIEZO2 (piezo type mechanosensitive ion channel component 2; minus strand). Cytogenetic location: 18p11.22.
Variant type: single nucleotide variant.
Coding change: c.7133T>C on transcript NM_001378183.1 (MANE Select); coding-DNA position 7133, T replaced by C.
Protein change: p.Ile2378Thr; replaces isoleucine 2378 with threonine.
Molecular consequence: missense variant.
Genome position (GRCh38, 1-based): chr18:10,696,131, A>G on the plus strand (T>C on the coding strand, the complement: PIEZO2 is on the minus strand). VCF-style: chr18-10696131-A-G. GRCh37 (hg19) VCF-style: chr18-10696129-A-G.
Other names: c.6869T>C, p.Ile2290Thr (NM_001410871.1); c.6794T>C, p.Ile2265Thr (NM_022068.4); short protein forms I2265T, I2290T, I2378T.
Identifiers: ClinVar variation 3373205 (VCV003373205.1).

ClinVar aggregate classification (germline): Uncertain significance (1 of 4 stars; one submission).

Submission:

GeneDx
Classification: Uncertain significance. Last evaluated: 2024-04-29. Review status: criteria provided, single submitter. Criteria: GeneDx Variant Classification Process June 2021. Collection method: clinical testing. Allele origin: germline. Affected: yes.
Comment: Not observed at significant frequency in large population cohorts (gnomAD); In silico analysis supports that this missense variant has a deleterious effect on protein structure/function; Has not been previously published as pathogenic or benign to our knowledge